The following is an entry in ClinVar:

NM_005228.5(EGFR):c.3100del (p.Leu1034fs)

Gene: EGFR (epidermal growth factor receptor; plus strand). Cytogenetic location: 7p11.2.
Variant type: Deletion.
Coding change: c.3100del on transcript NM_005228.5 (MANE Select); coding-DNA position 3100, one base deleted (C; older notation c.3100delC).
Protein change: p.Leu1034fs; shifts the reading frame from leucine 1034.
Molecular consequence: frameshift variant.
Genome position (GRCh38, 1-based): chr7:55,201,341, C deleted; the last of 4 consecutive C bases (chr7:55,201,338-55,201,341); deleting any one gives the same sequence. VCF-style (leftmost placement, unchanged base first): chr7-55201337-TC-T. GRCh37 (hg19) VCF-style: chr7-55269030-TC-T.
Other names: c.2965del, p.Leu989fs (NM_001346897.2, NM_001346899.2); c.3100del, p.Leu1034fs (NM_001346898.2); c.2941del, p.Leu981fs (NM_001346900.2); c.2299del, p.Leu767fs (NM_001346941.2); short protein forms L1034fs, L767fs, L981fs, L989fs.
Identifiers: ClinVar variation 4975003 (VCV004975003.1).

ClinVar aggregate classification (germline): Pathogenic (1 of 4 stars; one submission).

Conditions:
Cataract 4 multiple types. Also called: CATARACT 4, MULTIPLE TYPES, WITH OR WITHOUT MICROCORNEA; CATARACT 4 WITH MICROCORNEA; CATARACT 4, PUNCTATE; CATARACT 4, CRYSTALLINE; CATARACT 4, CENTRAL NUCLEAR; CATARACT 4, NONNUCLEAR POLYMORPHIC CONGENITAL. Identifiers: Orphanet 1377, MedGen C3540850, MONDO:0007281, OMIM 115700.

Submission:

Ophthalmic Genetics, Al-Shifa Trust Eye Hospital Rawalpindi
Classification: Pathogenic for Cataract 4 multiple types. Last evaluated: 2026-08-28. Review status: criteria provided, single submitter. Criteria: Submitter's publication. Collection method: research. Allele origin: de novo. Inheritance: Autosomal dominant inheritance. Affected: yes.
Comment: The NM_005228.5(EGFR):c.3100delC (p.Leu1034SerfsTer2) variant is a single nucleotide deletion that causes a frameshift at codon 1034, introducing a premature termination codon 2 residues into the new reading frame and predicted to result in nonsense-mediated mRNA decay of the aberrant transcript, consistent with loss of functional EGFR protein and invoking PVS1 at full weight. The affected nucleotide is highly conserved across vertebrate species, with a PhyloP 100-way score of 7.60, supporting the functional relevance of this position. The variant is absent from the gnomAD population database at all sites with sufficient sequencing coverage, supporting PM2. SpliceAI predicts no significant impact on splicing, confirming that the pathogenic consequence is attributable exclusively to the frameshift rather than any concurrent splice effect. No prior ClinVar submissions exist for this variant. In aggregate, the evidence accumulates 10 pathogenic classification points with zero benign evidence, supporting a classification of Pathogenic.